The following is an entry in ClinVar:

NM_001267550.2(TTN):c.24038C>T (p.Pro8013Leu)

Gene: TTN (titin; minus strand). Cytogenetic location: 2q31.2.
Variant type: single nucleotide variant.
Coding change: c.24038C>T on transcript NM_001267550.2 (MANE Select); coding-DNA position 24038, C replaced by T.
Protein change: p.Pro8013Leu; replaces proline 8013 with leucine.
Molecular consequence: missense variant. On other transcripts: intron variant (3).
Genome position (GRCh38, 1-based): chr2:178,719,352, G>A on the plus strand (C>T on the coding strand, the complement: TTN is on the minus strand). VCF-style: chr2-178719352-G-A. GRCh37 (hg19) VCF-style: chr2-179584079-G-A.
Other names: c.23087C>T, p.Pro7696Leu (NM_001256850.1); c.20306C>T, p.Pro6769Leu (NM_133378.4); c.13282+18730C>T (NM_003319.4); c.13858+18730C>T (NM_133437.4); c.13657+18730C>T (NM_133432.3); c.24038C>T (NM_001267550.1); short protein forms P8013L, P6769L, P7696L.
Identifiers: ClinVar variation 405164 (VCV000405164.6), dbSNP rs773761640, ClinGen allele CA2000509.

ClinVar aggregate classification (germline): Uncertain significance. Review status: criteria provided, multiple submitters, no conflicts (2 of 4 stars). 4 submissions from 4 submitters: Uncertain significance (4). Last evaluated 2025-05-27.

Conditions:
TTN-related disorder. Also called: TTN-related disorders; TTN-related condition; TTN-related disease.
Autosomal recessive limb-girdle muscular dystrophy type 2J (LGMDR10). Also called: Limb-girdle muscular dystrophy, type 2J; MUSCULAR DYSTROPHY, LIMB-GIRDLE, AUTOSOMAL RECESSIVE 10. Identifiers: Orphanet 140922, MedGen C1837342, MONDO:0012127, OMIM 608807.
Dilated cardiomyopathy 1G (CMD1G). Identifiers: Orphanet 154, MedGen C1858763, MONDO:0011400, OMIM 604145.
Early-onset myopathy with fatal cardiomyopathy (CMYO5). Also called: Salih Myopathy; CONGENITAL MYOPATHY 5 WITH CARDIOMYOPATHY. Identifiers: Orphanet 289377, MedGen C2673677, MONDO:0012714, OMIM 611705. Disease mechanism: loss of function.
Hypertrophic cardiomyopathy 9. Also called: Familial hypertrophic cardiomyopathy 9. Identifiers: MedGen C1861065, MONDO:0013412, OMIM 613765.
Myopathy, myofibrillar, 9, with early respiratory failure (MFM9). Also called: Hereditary myopathy with early respiratory failure; MYOPATHY, PROXIMAL, WITH EARLY RESPIRATORY MUSCLE INVOLVEMENT; EDSTROM MYOPATHY; Myopathy, distal, with early respiratory failure, autosomal dominant. Identifiers: Orphanet 178464, Orphanet 34521, MedGen C1863599, MONDO:0011362, OMIM 603689.
Tibial muscular dystrophy (TMD). Also called: UDD MYOPATHY; Tibial muscular dystrophy, tardive; Udd Distal Myopathy – Tibial Muscular Dystrophy. Identifiers: Orphanet 609, MedGen C1838244, MONDO:0010870, OMIM 600334.

Allele frequency attached by ClinVar (database versions not stated): ExAC 0.00001; gnomAD 0.00001; gnomAD exomes 0.00001.
gnomAD v4.1: 9 of 1,613,586 alleles (0.00056%); highest among the groups gnomAD compares: African/African-American, 0.0027%; no homozygotes.

Submissions (4):

PreventionGenetics, part of Exact Sciences
Classification: Uncertain significance for TTN-related condition. Last evaluated: 2025-05-27. Review status: criteria provided, single submitter. Criteria: ACMG Guidelines, 2015. Collection method: clinical testing. Allele origin: germline.
Comment: The TTN c.24038C>T variant is predicted to result in the amino acid substitution p.Pro8013Leu. To our knowledge, this variant has not been reported in the literature. This variant is reported in 0.0029% of alleles in individuals of Latino descent in gnomAD. At this time, the clinical significance of this variant is uncertain due to the absence of conclusive functional and genetic evidence.

GeneDx
Classification: Uncertain significance. Last evaluated: 2025-05-20. Review status: criteria provided, single submitter. Criteria: GeneDx Variant Classification Process June 2021. Collection method: clinical testing. Allele origin: germline. Affected: yes.
Comment: Not observed at significant frequency in large population cohorts (gnomAD); Missense variant in a gene in which most reported pathogenic variants are truncating/loss of function; Has not been previously published as pathogenic or benign to our knowledge

Fulgent Genetics
Classification: Uncertain significance for Tibial muscular dystrophy; Myopathy, myofibrillar, 9, with early respiratory failure; Dilated cardiomyopathy 1G; Autosomal recessive limb-girdle muscular dystrophy type 2J; Early-onset myopathy with fatal cardiomyopathy; Hypertrophic cardiomyopathy 9. Last evaluated: 2021-08-21. Review status: criteria provided, single submitter. Criteria: ACMG Guidelines, 2015. Collection method: clinical testing. Allele origin: unknown.

Labcorp Genetics (formerly Invitae), Labcorp
Classification: Uncertain significance for Dilated cardiomyopathy 1G; Autosomal recessive limb-girdle muscular dystrophy type 2J. Last evaluated: 2016-10-12. Review status: criteria provided, single submitter. Criteria: Invitae Variant Classification Sherloc (09022015). Collection method: clinical testing. Allele origin: germline.